The following is an entry in ClinVar:

NM_002474.3(MYH11):c.3432C>T (p.Leu1144=)

Gene: MYH11 (myosin heavy chain 11; minus strand). Cytogenetic location: 16p13.11.
Variant type: single nucleotide variant.
Coding change: c.3432C>T on transcript NM_002474.3 (MANE Select); coding-DNA position 3432, C replaced by T.
Protein change: p.Leu1144=; no amino-acid change (leucine 1144 retained).
Molecular consequence: synonymous variant.
Genome position (GRCh38, 1-based): chr16:15,735,440, G>A on the plus strand (C>T on the coding strand, the complement: MYH11 is on the minus strand). VCF-style: chr16-15735440-G-A. GRCh37 (hg19) VCF-style: chr16-15829297-G-A.
Other names: c.3453C>T, p.Leu1151= (NM_001040113.2, NM_001040114.2); c.3432C>T, p.Leu1144= (NM_022844.3).
Identifiers: ClinVar variation 263462 (VCV000263462.16), dbSNP rs145289672, ClinGen allele CA7921996.

ClinVar aggregate classification (germline): Likely benign. Review status: criteria provided, multiple submitters, no conflicts (2 of 4 stars). 5 submissions from 5 submitters: Likely benign (5). Last evaluated 2025-12-23.

Conditions:
Familial thoracic aortic aneurysm and aortic dissection (TAAD). Also called: Thoracic aortic aneurysms and dissections. Identifiers: Orphanet 91387, MedGen C4707243, MONDO:0019625.
Aortic aneurysm, familial thoracic 4 (AAT4). Also called: AORTIC ANEURYSM/AORTIC DISSECTION AND PATENT DUCTUS ARTERIOSUS. Identifiers: MedGen C1851504, MONDO:0007568, OMIM 132900.

Allele frequency attached by ClinVar (database versions not stated): gnomAD 0.00001; TOPMed 0.00002; ESP Exome Variant Server 0.00008.
gnomAD v4.1: 25 of 1,613,910 alleles (0.0015%); highest among the groups gnomAD compares: South Asian, 0.0033%; no homozygotes.

Submissions (5):

Labcorp Genetics (formerly Invitae), Labcorp
Classification: Likely benign for Aortic aneurysm, familial thoracic 4. Last evaluated: 2025-12-23. Review status: criteria provided, single submitter. Criteria: Invitae Variant Classification Sherloc (09022015). Collection method: clinical testing. Allele origin: germline.

All of Us Research Program, National Institutes of Health
Classification: Likely benign for Familial thoracic aortic aneurysm and aortic dissection. Last evaluated: 2023-12-18. Review status: criteria provided, single submitter. Criteria: ACMG Guidelines, 2015. Collection method: clinical testing. Allele origin: germline. Inheritance: Autosomal dominant inheritance. Observed: 5 variant alleles, 5 heterozygotes.
Comment: This study involves interpretation of variants in research participants for the purpose of population health screening. Participant phenotype was not available at the time of variant classification. Additional details can be found in publication PMID: 35346344, PMCID: PMC8962531

Ambry Genetics
Classification: Likely benign for Familial thoracic aortic aneurysm and aortic dissection. Last evaluated: 2023-06-17. Review status: criteria provided, single submitter. Criteria: Ambry Variant Classification Scheme 2023. Collection method: clinical testing. Allele origin: germline.

Blueprint Genetics
Classification: Likely benign. Last evaluated: 2023-04-28. Review status: criteria provided, single submitter. Criteria: ACMG Guidelines, 2015. Collection method: clinical testing. Allele origin: germline.

Color Diagnostics, LLC DBA Color Health
Classification: Likely benign for Familial thoracic aortic aneurysm and aortic dissection. Last evaluated: 2019-02-25. Review status: criteria provided, single submitter. Criteria: ACMG Guidelines, 2015. Collection method: clinical testing. Allele origin: germline.